The following is an entry in ClinVar:

NM_000018.4(ACADVL):c.1967G>C (p.Ter656Ser)

Gene: ACADVL (acyl-CoA dehydrogenase very long chain; plus strand). Cytogenetic location: 17p13.1.
Variant type: single nucleotide variant.
Coding change: c.1967G>C on transcript NM_000018.4 (MANE Select); coding-DNA position 1967, G replaced by C.
Protein change: p.Ter656Ser.
Molecular consequence: stop lost.
Genome position (GRCh38, 1-based): chr17:7,225,096, G>C. VCF-style: chr17-7225096-G-C. GRCh37 (hg19) VCF-style: chr17-7128415-G-C.
Other names: *580S; *679S; *656S; *634S; NM_000018.4(ACADVL):c.1967G>C; p.Ter656Ser; c.1901G>C, p.Ter634Ser (NM_001033859.3); c.2036G>C, p.Ter679Ser (NM_001270447.2); and 1 more.
Identifiers: ClinVar variation 932839 (VCV000932839.6), dbSNP rs2071416769, ClinGen allele CA397726275.

ClinVar aggregate classification (germline): Uncertain significance. Review status: reviewed by expert panel (3 of 4 stars). 3 submissions from 3 submitters: Uncertain significance (1). 2 of the submissions do not count toward it. Last evaluated 2023-06-29.

Conditions:
Very long chain acyl-CoA dehydrogenase deficiency (ACADVLD). Also called: Very Long-Chain Acyl-Coenzyme A Dehydrogenase Deficiency; VLCAD Deficiency. Identifiers: Orphanet 26793, MedGen C3887523, MONDO:0008723, OMIM 201475.

Submissions (3):

ClinGen ACADVL Variant Curation Expert Panel, ClinGen
Classification: Uncertain significance for Very long chain acyl-CoA dehydrogenase deficiency. Last evaluated: 2023-06-29. Review status: reviewed by expert panel. Criteria: clingen acadvl acmg specifications v1. Collection method: curation. Allele origin: germline. Inheritance: Autosomal recessive inheritance.
Comment: The c.1967G>C variant is predicted to cause a change in the length of the protein (p.Ter656SerextTer54) due to a predicted in-frame insertion of 53 amino acids in a non-repeat region (PM4). This variant is absent from gnomAD v2.1.1 (PM2_Supporting). To our knowledge, functional assays have not been reported for this variant. To our knowledge, this variant has not been reported in the literature in any individuals with VLCADD. In summary, this variant meets the criteria to be classified as UNCERTAIN SIGNIFICANCE for autosomal recessive very long chain acyl-CoA dehydrogenase (VLCAD) deficiency based on the ACMG/AMP criteria applied, as specified by the ClinGen ACADVL Variant Curation Expert Panel: PM4, PM2_Supporting (ClinGen ACADVL VCEP specifications version#1.0; approved 12-29-22).

Labcorp Genetics (formerly Invitae), Labcorp
Classification: Uncertain significance for Very long chain acyl-CoA dehydrogenase deficiency. Last evaluated: 2024-01-31. Review status: criteria provided, single submitter. Criteria: Invitae Variant Classification Sherloc (09022015). Collection method: clinical testing. Allele origin: germline. Not counted in ClinVar's aggregate classification.
Comment: This sequence change disrupts the translational stop signal of the ACADVL mRNA. It is expected to extend the length of the ACADVL protein by 54 additional amino acid residues. This variant is not present in population databases (gnomAD no frequency). This variant has not been reported in the literature in individuals affected with ACADVL-related conditions. ClinVar contains an entry for this variant (Variation ID: 932839). Experimental studies and prediction algorithms are not available or were not evaluated, and the functional significance of this variant is currently unknown. In summary, the available evidence is currently insufficient to determine the role of this variant in disease. Therefore, it has been classified as a Variant of Uncertain Significance.

Wong Mito Lab, Molecular and Human Genetics, Baylor College of Medicine
Classification: Pathogenic for Very long chain acyl-CoA dehydrogenase deficiency. Last evaluated: 2019-11-01. Review status: criteria provided, single submitter. Criteria: ACMG Guidelines, 2015. Collection method: clinical testing. Allele origin: germline. Not counted in ClinVar's aggregate classification.
Comment: The NM_000018.3:c.1967G>C (NP_000009.1:p.Ter656SerextTer54) [GRCH38: NC_000017.11:g.7225096G>C] variant in ACADVL gene is interpretated to be Pathogenic based on ACMG guidelines (PMID: 25741868). This variant has been reported. This variant meets the following evidence codes reported in the ACMG guidelines: PVS1, PS3